The following is an entry in ClinVar:

ClinVar aggregate classification (germline): Likely benign. Review status: criteria provided, multiple submitters, no conflicts (2 of 4 stars). 2 submissions from 2 submitters: Likely benign (2). Last evaluated 2025-05-18.

Conditions:
Cryopyrin associated periodic syndrome (CAPS). Identifiers: Orphanet 208650, MedGen C2316212, MONDO:0016168.
NLRP3-related disorder. Also called: NLRP3-Related Disorders; NLRP3-related condition.

Allele frequency attached by ClinVar (database versions not stated): gnomAD 0.00001 and 0.00002; gnomAD exomes 0.00002 and 0.00004; ExAC 0.00003; TOPMed 0.00004; ESP Exome Variant Server 0.00008.
gnomAD v4.1: 54 of 1,613,904 alleles (0.0033%); highest among the groups gnomAD compares: East Asian, 0.013%; no homozygotes.

Submissions (2):

Labcorp Genetics (formerly Invitae), Labcorp
Classification: Likely benign for Cryopyrin associated periodic syndrome. Last evaluated: 2025-05-18. Review status: criteria provided, single submitter. Criteria: Invitae Variant Classification Sherloc (09022015). Collection method: clinical testing. Allele origin: germline.

PreventionGenetics, part of Exact Sciences
Classification: Likely benign for NLRP3-related condition. Last evaluated: 2024-11-09. Review status: criteria provided, single submitter. Criteria: ACMG Guidelines, 2015. Collection method: clinical testing. Allele origin: germline.
Comment: This variant is classified as likely benign based on ACMG/AMP sequence variant interpretation guidelines (Richards et al. 2015 PMID: 25741868, with internal and published modifications).

NM_001243133.2(NLRP3):c.579G>A (p.Thr193=)

Gene: NLRP3 (NLR family pyrin domain containing 3; plus strand). Cytogenetic location: 1q44.
Variant type: single nucleotide variant.
Coding change: c.579G>A on transcript NM_001243133.2 (MANE Select); coding-DNA position 579, G replaced by A.
Protein change: p.Thr193=; no amino-acid change (threonine 193 retained).
Molecular consequence: synonymous variant.
Genome position (GRCh38, 1-based): chr1:247,424,028, G>A. VCF-style: chr1-247424028-G-A. GRCh37 (hg19) VCF-style: chr1-247587330-G-A.
Other names: c.579G>A, p.Thr193= (NM_001079821.3, NM_001127461.3, NM_001127462.3 and 1 more transcripts); c.585G>A, p.Thr195= (NM_004895.5).
Identifiers: ClinVar variation 536885 (VCV000536885.11), dbSNP rs149659331, ClinGen allele CA1494899.